The following is an entry in ClinVar:

NM_001378189.1(CFAP57):c.2866-5C>T

Genes: CFAP57 (cilia and flagella associated protein 57; plus strand), EBNA1BP2 (EBNA1 binding protein 2; minus strand), LOC105378685 (uncharacterized LOC105378685; minus strand). Cytogenetic location: 1p34.2.
Variant type: single nucleotide variant.
Coding change: c.2866-5C>T on transcript NM_001378189.1 (MANE Select); 5 bases into the intron before coding-DNA position 2866, C replaced by T.
Molecular consequence: intron variant.
Genome position (GRCh38, 1-based): chr1:43,226,978, C>T. VCF-style: chr1-43226978-C-T. GRCh37 (hg19) VCF-style: chr1-43692649-C-T.
Other names: c.2866-5C>T (NM_001195831.3).
Identifiers: ClinVar variation 4084370 (VCV004084370.8).

ClinVar aggregate classification (germline): Uncertain significance (1 of 4 stars; one submission).

Submission:

CeGaT Center for Human Genetics Tuebingen
Classification: Uncertain significance. Last evaluated: 2025-07-01. Review status: criteria provided, single submitter. Criteria: CeGaT Center For Human Genetics Tuebingen Variant Classification Criteria Version 2. Collection method: clinical testing. Allele origin: germline. Affected: yes. Observed: 1 variant allele.
Comment: CFAP57: PM2, BP4